The following is an entry in ClinVar:

ClinVar aggregate classification (germline): Uncertain significance (1 of 4 stars; one submission).

Conditions:
Cortical dysplasia, complex, with other brain malformations 13. Also called: Intellectual disability, autosomal dominant 13. Identifiers: MedGen C3281202, MONDO:0013805, OMIM 614563.

Submission:

Victorian Clinical Genetics Services, Murdoch Childrens Research Institute
Classification: Uncertain significance for Cortical dysplasia, complex, with other brain malformations 13. Last evaluated: 2023-12-21. Review status: criteria provided, single submitter. Criteria: ACMG Guidelines, 2015. Collection method: clinical testing. Allele origin: germline. Inheritance: Autosomal dominant inheritance. Affected: yes.
Comment: Based on the classification scheme VCGS_Germline_v1.3.4, this variant is classified as VUS-3A. Following criteria are met: 0105 - The mechanism of disease for this gene is not clearly established. Gain-of-function is the likely mechanism for Charcot-Marie-Tooth disease, axonal, type 20 (MIM#614228) and spinal muscular atrophy, lower extremity-predominant 1 (MIM#158600; ClinGen curation). The mechanism for autosomal dominant intellectual disability 13 (MONDO:0013805) remains uncertain, although loss-of-function has been demonstrated for some of the reported variants (PMID: 28196890). (I) 0107 - This gene is associated with autosomal dominant disease. (I) 0115 - Variants in this gene are known to have variable expressivity. Intraffamilial variability has been reported (PMID: 25512093). (I) 0201 - Variant is predicted to cause nonsense-mediated decay (NMD) and loss of protein (premature termination codon is located at least 54 nucleotides upstream of the final exon-exon junction). (SP) 0251 - This variant is heterozygous. (I) 0301 - Variant is absent from gnomAD (both v2 and v3). (SP) 0708 - Other NMD-predicted variants comparable to the one identified in this case have conflicting previous evidence for pathogenicity. The majority of NMD-predicted variants have been classified as a VUS in ClinVar. However, there are two likely pathogenic variants identified in individuals with intellectual disability and seizures, and in one individual for whom phenotype information was not provided but it was observed de novo (ClinVar). De novo variants classified as VUS have also been reported in DECIPHER. In addition, two other NMD-predicted variants have been reported in the literature. One was found in an individual with intellectual disability; however, analysis was not phenotype-driven and high impact variants were selected (PMID: 29209020). Another NMD-predicted variant was identified de novo in an individual with global developmental delay (PMID: 29243232). (I) 0807 - This variant has no previous evidence of pathogenicity. (I) 0905 - No published segregation evidence has been identified for this variant. (I) 1007 - No published functional evidence has been identified for this variant. (SP) Legend: (SP) - Supporting pathogenic, (I) - Information, (SB) - Supporting benign

Literature cited by the submitters: PubMed 25512093; PubMed 28196890; PubMed 29209020; PubMed 29243232.

NM_001376.5(DYNC1H1):c.6514del (p.Arg2172fs)

Gene: DYNC1H1 (dynein cytoplasmic 1 heavy chain 1; plus strand). Cytogenetic location: 14q32.31.
Variant type: Deletion.
Coding change: c.6514del on transcript NM_001376.5 (MANE Select); coding-DNA position 6514, one base deleted (A; older notation c.6514delA).
Protein change: p.Arg2172fs; shifts the reading frame from arginine 2172.
Molecular consequence: frameshift variant.
Genome position (GRCh38, 1-based): chr14:102,010,848, A deleted. VCF-style (leftmost placement, unchanged base first): chr14-102010847-CA-C. GRCh37 (hg19) VCF-style: chr14-102477184-CA-C.
Other names: short protein forms R2172fs.
Identifiers: ClinVar variation 3254984 (VCV003254984.1), dbSNP rs2503753722.